The following is an entry in ClinVar:

NM_152327.5(AK7):c.2024C>T (p.Ala675Val)

Gene: AK7 (adenylate kinase 7; plus strand). Cytogenetic location: 14q32.2.
Variant type: single nucleotide variant.
Coding change: c.2024C>T on transcript NM_152327.5 (MANE Select); coding-DNA position 2024, C replaced by T.
Protein change: p.Ala675Val; replaces alanine 675 with valine.
Molecular consequence: missense variant.
Genome position (GRCh38, 1-based): chr14:96,486,947, C>T. VCF-style: chr14-96486947-C-T. GRCh37 (hg19) VCF-style: chr14-96953284-C-T.
Other names: c.1955C>T, p.Ala652Val (NM_001350888.2, NM_001350890.2); c.1946C>T, p.Ala649Val (NM_001350891.2); c.1826C>T, p.Ala609Val (NM_001350892.2); c.2024C>T (NM_152327.2); short protein forms A649V, A652V, A609V, A675V.
Identifiers: ClinVar variation 1480604 (VCV001480604.8), dbSNP rs201962864, ClinGen allele CA7338038.

ClinVar aggregate classification (germline): Uncertain significance. Review status: criteria provided, multiple submitters, no conflicts (2 of 4 stars). 2 submissions from 2 submitters: Uncertain significance (2). Last evaluated 2025-08-23.

Allele frequency attached by ClinVar (database versions not stated): ExAC 0.00003; gnomAD 0.00003 and 0.00004; gnomAD exomes 0.00003 and 0.00004; TOPMed 0.00006; ESP Exome Variant Server 0.00008.
gnomAD v4.1: 59 of 1,613,912 alleles (0.0037%); highest among the groups gnomAD compares: Non-Finnish European, 0.005%; no homozygotes.

Submissions (2):

Ambry Genetics
Classification: Uncertain significance. Last evaluated: 2025-08-23. Review status: criteria provided, single submitter. Criteria: Ambry Variant Classification Scheme 2023. Collection method: clinical testing. Allele origin: germline.

Labcorp Genetics (formerly Invitae), Labcorp
Classification: Uncertain significance. Last evaluated: 2024-05-23. Review status: criteria provided, single submitter. Criteria: Invitae Variant Classification Sherloc (09022015). Collection method: clinical testing. Allele origin: germline.
Comment: This sequence change replaces alanine, which is neutral and non-polar, with valine, which is neutral and non-polar, at codon 675 of the AK7 protein (p.Ala675Val). This variant is present in population databases (rs201962864, gnomAD 0.005%). This variant has not been reported in the literature in individuals affected with AK7-related conditions. ClinVar contains an entry for this variant (Variation ID: 1480604). Advanced modeling of protein sequence and biophysical properties (such as structural, functional, and spatial information, amino acid conservation, physicochemical variation, residue mobility, and thermodynamic stability) performed at Invitae indicates that this missense variant is not expected to disrupt AK7 protein function with a negative predictive value of 80%. In summary, the available evidence is currently insufficient to determine the role of this variant in disease. Therefore, it has been classified as a Variant of Uncertain Significance.